The following is an entry in ClinVar:

ClinVar aggregate classification (germline): Uncertain significance (1 of 4 stars; one submission).

Conditions:
Polyglandular autoimmune syndrome, type 1 (APS1). Also called: AUTOIMMUNE POLYENDOCRINE SYNDROME, TYPE I, WITH OR WITHOUT REVERSIBLE METAPHYSEAL DYSPLASIA; APS I; HYPOADRENOCORTICISM WITH HYPOPARATHYROIDISM AND SUPERFICIAL MONILIASIS; PGA I; Autoimmune polyendocrine syndrome type 1; Autoimmune polyendocrinopathy syndrome, type I. Identifiers: Orphanet 3453, MedGen C0085859, MONDO:0009411, OMIM 240300.

Submission:

Labcorp Genetics (formerly Invitae), Labcorp
Classification: Uncertain significance for Polyglandular autoimmune syndrome, type 1. Last evaluated: 2024-06-05. Review status: criteria provided, single submitter. Criteria: Invitae Variant Classification Sherloc (09022015). Collection method: clinical testing. Allele origin: germline.
Comment: This sequence change replaces aspartic acid, which is acidic and polar, with asparagine, which is neutral and polar, at codon 478 of the AIRE protein (p.Asp478Asn). This variant is not present in population databases (gnomAD no frequency). This variant has not been reported in the literature in individuals affected with AIRE-related conditions. Advanced modeling of protein sequence and biophysical properties (such as structural, functional, and spatial information, amino acid conservation, physicochemical variation, residue mobility, and thermodynamic stability) performed at Invitae indicates that this missense variant is not expected to disrupt AIRE protein function with a negative predictive value of 95%. In summary, the available evidence is currently insufficient to determine the role of this variant in disease. Therefore, it has been classified as a Variant of Uncertain Significance.

NM_000383.4(AIRE):c.1432G>A (p.Asp478Asn)

Gene: AIRE (autoimmune regulator; plus strand). Cytogenetic location: 21q22.3.
Variant type: single nucleotide variant.
Coding change: c.1432G>A on transcript NM_000383.4 (MANE Select); coding-DNA position 1432, G replaced by A.
Protein change: p.Asp478Asn; replaces aspartic acid 478 with asparagine.
Molecular consequence: missense variant.
Genome position (GRCh38, 1-based): chr21:44,294,432, G>A. VCF-style: chr21-44294432-G-A. GRCh37 (hg19) VCF-style: chr21-45714315-G-A.
Other names: short protein forms D478N.
Identifiers: ClinVar variation 3692551 (VCV003692551.2).